The following is an entry in ClinVar:

NM_018489.3(ASH1L):c.6502G>T (p.Glu2168Ter)

Gene: ASH1L (ASH1 like histone lysine methyltransferase; minus strand). Cytogenetic location: 1q22.
Variant type: single nucleotide variant.
Coding change: c.6502G>T on transcript NM_018489.3 (MANE Select); coding-DNA position 6502, G replaced by T.
Protein change: p.Glu2168Ter; replaces glutamic acid 2168 with a stop codon.
Molecular consequence: nonsense.
Genome position (GRCh38, 1-based): chr1:155,370,814, C>A on the plus strand (G>T on the coding strand, the complement: ASH1L is on the minus strand). VCF-style: chr1-155370814-C-A. GRCh37 (hg19) VCF-style: chr1-155340605-C-A.
Other names: c.6517G>T, p.Glu2173Ter (NM_001366177.2); short protein forms E2173*, E2168*.
Identifiers: ClinVar variation 1997605 (VCV001997605.4), dbSNP rs1655881883, ClinGen allele CA342754451.

ClinVar aggregate classification (germline): Pathogenic (1 of 4 stars; one submission).

Submission:

Labcorp Genetics (formerly Invitae), Labcorp
Classification: Pathogenic. Last evaluated: 2022-05-21. Review status: criteria provided, single submitter. Criteria: Invitae Variant Classification Sherloc (09022015). Collection method: clinical testing. Allele origin: germline.
Comment: For these reasons, this variant has been classified as Pathogenic. This variant has not been reported in the literature in individuals affected with ASH1L-related conditions. This variant is not present in population databases (gnomAD no frequency). This sequence change creates a premature translational stop signal (p.Glu2168*) in the ASH1L gene. It is expected to result in an absent or disrupted protein product. Loss-of-function variants in ASH1L are known to be pathogenic (PMID: 29276005).

Literature cited by the submitters: PubMed 29276005.